The following is an entry in ClinVar:

ClinVar aggregate classification (germline): Pathogenic (1 of 4 stars; one submission).

Conditions:
Mucolipidosis type II. Also called: ML II ALPHA/BETA; Mucolipidosis 2; ML 2; Inclusion cell disease; Leroy Disease; N-acetylglucosamine 1phosphotransferase deficiency. Identifiers: Orphanet 576, MedGen C2673377, MONDO:0009650, OMIM 252500.
Pseudo-Hurler polydystrophy. Also called: ML III; ML III ALPHA/BETA; Type III Mucolipidosis; ML IIIA; Mucolipidosis III Alpha/Beta; MUCOLIPIDOSIS IIIA. Identifiers: Orphanet 423461, Orphanet 577, MedGen C0033788, MONDO:0018931, OMIM 252600.

Submission:

Labcorp Genetics (formerly Invitae), Labcorp
Classification: Pathogenic for Pseudo-Hurler polydystrophy; Mucolipidosis type II. Last evaluated: 2022-12-16. Review status: criteria provided, single submitter. Criteria: Invitae Variant Classification Sherloc (09022015). Collection method: clinical testing. Allele origin: germline.
Comment: For these reasons, this variant has been classified as Pathogenic. This variant has not been reported in the literature in individuals affected with GNPTAB-related conditions. This variant is present in population databases (no rsID available, gnomAD 0.003%). This sequence change creates a premature translational stop signal (p.Asp449Metfs*51) in the GNPTAB gene. It is expected to result in an absent or disrupted protein product. Loss-of-function variants in GNPTAB are known to be pathogenic (PMID: 19617216, 25107912).

Literature cited by the submitters: PubMed 19617216; PubMed 25107912.

NM_024312.5(GNPTAB):c.1345del (p.Asp449fs)

Gene: GNPTAB (N-acetylglucosamine-1-phosphate transferase subunits alpha and beta; minus strand). Cytogenetic location: 12q23.2.
Variant type: Deletion.
Coding change: c.1345del on transcript NM_024312.5 (MANE Select); coding-DNA position 1345, one base deleted (G; older notation c.1345delG).
Protein change: p.Asp449fs; shifts the reading frame from aspartic acid 449.
Molecular consequence: frameshift variant.
Genome position (GRCh38, 1-based): chr12:101,768,100, C deleted on the plus strand (G on the coding strand, the reverse complement: GNPTAB is on the minus strand); the first of 2 consecutive C bases (chr12:101,768,100-101,768,101); deleting either gives the same sequence. VCF-style (leftmost placement, unchanged base first): chr12-101768099-TC-T. GRCh37 (hg19) VCF-style: chr12-102161877-TC-T.
Other names: short protein forms D449fs.
Identifiers: ClinVar variation 2942368 (VCV002942368.3), dbSNP rs1244017657, ClinGen allele CA607597966.